The following is an entry in ClinVar:

NM_000059.4(BRCA2):c.2457A>C (p.Gln819His)

Gene: BRCA2 (BRCA2 DNA repair associated; plus strand). Cytogenetic location: 13q13.1.
Variant type: single nucleotide variant.
Coding change: c.2457A>C on transcript NM_000059.4 (MANE Select); coding-DNA position 2457, A replaced by C.
Protein change: p.Gln819His; replaces glutamine 819 with histidine.
Molecular consequence: missense variant.
Genome position (GRCh38, 1-based): chr13:32,336,812, A>C. VCF-style: chr13-32336812-A-C. GRCh37 (hg19) VCF-style: chr13-32910949-A-C.
Other names: short protein forms Q819H.
Identifiers: ClinVar variation 1171888 (VCV001171888.5), dbSNP rs1555282684, ClinGen allele CA387772308.
Genomic context (GRCh38, chr13:32,336,812, plus strand): 5'-AGGTAACAATTATGAATCTGATGTTGAATTAACCAAAAATATTCCCATGGAAAAGAATCA[A>C]GATGTATGTGCTTTAAATGAAAATTATAAAAACGTTGAGCTGTTGCCACCTGAAAAATAC-3'
Protein context (NP_000050.3, residues 809-829): LTKNIPMEKN[Gln819His]DVCALNENYK

ClinVar aggregate classification (germline): Conflicting classifications of pathogenicity. Review status: criteria provided, conflicting classifications (1 of 4 stars). 2 submissions from 2 submitters: Uncertain significance (1); Likely benign (1). Last evaluated 2024-03-07.

Conditions:
Hereditary cancer-predisposing syndrome. Also called: Tumor predisposition; Hereditary neoplastic syndrome; Hereditary Cancer Syndrome; Neoplastic Syndromes, Hereditary. Identifiers: Orphanet 140162, MedGen C0027672, MeSH D009386, MONDO:0015356.

Submissions (2):

Color Diagnostics, LLC DBA Color Health
Classification: Uncertain significance for Hereditary cancer-predisposing syndrome. Last evaluated: 2024-03-07. Review status: criteria provided, single submitter. Criteria: ACMG Guidelines, 2015. Collection method: clinical testing. Allele origin: germline.
Comment: This missense variant replaces glutamine with histidine at codon 819 of the BRCA2 protein. Computational prediction suggests that this variant may not impact protein structure and function (internally defined REVEL score threshold <= 0.5, PMID: 27666373). To our knowledge, functional studies have not been reported for this variant. This variant has not been reported in individuals affected with hereditary cancer in the literature. This variant has not been identified in the general population by the Genome Aggregation Database (gnomAD). The available evidence is insufficient to determine the role of this variant in disease conclusively. Therefore, this variant is classified as a Variant of Uncertain Significance.

University of Washington Department of Laboratory Medicine, University of Washington
Classification: Likely benign for Hereditary cancer-predisposing syndrome. Last evaluated: 2023-03-23. Review status: criteria provided, single submitter. Criteria: Dines et al. (Genet Med. 2020). Collection method: curation. Allele origin: germline.
Comment: Missense variant in a coldspot region where missense variants are very unlikely to be pathogenic (PMID:31911673).

BRCA2 exon 11 coldspot. Reclassification based on statistical prior probability.